The following is an entry in ClinVar:

NM_006306.4(SMC1A):c.2600T>C (p.Met867Thr)

Gene: SMC1A (structural maintenance of chromosomes 1A; minus strand). Cytogenetic location: Xp11.22.
Variant type: single nucleotide variant.
Coding change: c.2600T>C on transcript NM_006306.4 (MANE Select); coding-DNA position 2600, T replaced by C.
Protein change: p.Met867Thr; replaces methionine 867 with threonine.
Molecular consequence: missense variant.
Genome position (GRCh38, 1-based): chrX:53,396,580, A>G on the plus strand (T>C on the coding strand, the complement: SMC1A is on the minus strand). VCF-style: chrX-53396580-A-G. GRCh37 (hg19) VCF-style: chrX-53423500-A-G.
Other names: c.2534T>C, p.Met845Thr (NM_001281463.1); short protein forms M845T, M867T.
Identifiers: ClinVar variation 1061367 (VCV001061367.9), dbSNP rs1034852654, ClinGen allele CA329906852.

ClinVar aggregate classification (germline): Uncertain significance (1 of 4 stars; one submission).

Conditions:
Congenital muscular hypertrophy-cerebral syndrome (CDLS2). Also called: SMC1A-Related Cornelia de Lange Syndrome; Cornelia de Lange syndrome 2. Identifiers: Orphanet 199, MedGen C1802395, MONDO:0010370, OMIM 300590.

Allele frequency attached by ClinVar (database versions not stated): gnomAD 0.00003; TOPMed 0.00005.

Submission:

Labcorp Genetics (formerly Invitae), Labcorp
Classification: Uncertain significance for Congenital muscular hypertrophy-cerebral syndrome. Last evaluated: 2024-01-06. Review status: criteria provided, single submitter. Criteria: Invitae Variant Classification Sherloc (09022015). Collection method: clinical testing. Allele origin: germline.
Comment: This sequence change replaces methionine, which is neutral and non-polar, with threonine, which is neutral and polar, at codon 867 of the SMC1A protein (p.Met867Thr). This variant is not present in population databases (gnomAD no frequency). This variant has not been reported in the literature in individuals affected with SMC1A-related conditions. ClinVar contains an entry for this variant (Variation ID: 1061367). Advanced modeling of protein sequence and biophysical properties (such as structural, functional, and spatial information, amino acid conservation, physicochemical variation, residue mobility, and thermodynamic stability) performed at Invitae indicates that this missense variant is not expected to disrupt SMC1A protein function with a negative predictive value of 80%. In summary, the available evidence is currently insufficient to determine the role of this variant in disease. Therefore, it has been classified as a Variant of Uncertain Significance.